The following is an entry in ClinVar:

ClinVar aggregate classification (germline): Likely pathogenic (1 of 4 stars; one submission).

Conditions:
Cohen syndrome (COH1). Also called: PEPPER SYNDROME; Cutis verticis gyrata, retinitis pigmentosa, and sensorineural deafness. Identifiers: Orphanet 193, MedGen C0265223, MONDO:0008999, OMIM 216550.

Submission:

Juno Genomics, Hangzhou Juno Genomics, Inc
Classification: Likely pathogenic for Cohen syndrome. Review status: criteria provided, single submitter. Criteria: ACMG Guidelines, 2015. Collection method: clinical testing. Allele origin: germline.
Comment: Null variant in a gene where loss of function (LOF) is a known mechanism of disease.;Absent from controls (or at extremely low frequency if recessive) in Genome Aggregation Database.

NM_152564.5(VPS13B):c.11539dup (p.Leu3847fs)

Gene: VPS13B (vacuolar protein sorting 13 homolog B; plus strand). Cytogenetic location: 8q22.2.
Variant type: Duplication.
Coding change: c.11539dup on transcript NM_152564.5 (MANE Select); coding-DNA position 11539, one base duplicated (C; older notation c.11539dupC).
Protein change: p.Leu3847fs; shifts the reading frame from leucine 3847.
Molecular consequence: frameshift variant.
Genome position (GRCh38, 1-based): chr8:99,871,491, C duplicated; the last of 3 consecutive C bases (chr8:99,871,489-99,871,491); duplicating any one gives the same sequence. VCF-style (leftmost placement, unchanged base first): chr8-99871488-G-GC. GRCh37 (hg19) VCF-style: chr8-100883716-G-GC.
Other names: c.11614dup, p.Leu3872fs (NM_017890.5); short protein forms L3872fs, L3847fs.
Identifiers: ClinVar variation 5007366 (VCV005007366.2).
Genomic context (GRCh38, chr8:99,871,488, plus strand): 5'-ACTTTTCTCCTTTTAAACAGGAAAATGCTTCAGTCTCTGGGCAGACCAGAAGTCCACATG[G>GC]CCCTGGACGTGGTTCTGGTGAGGGGCTCAGGCCAGGAGCATGAAGGGTGCTTGCTGCTGA-3'